The following is an entry in ClinVar:

NM_001018113.3(FANCB):c.2171A>G (p.Gln724Arg)

Gene: FANCB (FA complementation group B; minus strand). Cytogenetic location: Xp22.2.
Variant type: single nucleotide variant.
Coding change: c.2171A>G on transcript NM_001018113.3 (MANE Select); coding-DNA position 2171, A replaced by G.
Protein change: p.Gln724Arg; replaces glutamine 724 with arginine.
Molecular consequence: missense variant.
Genome position (GRCh38, 1-based): chrX:14,843,976, T>C on the plus strand (A>G on the coding strand, the complement: FANCB is on the minus strand). VCF-style: chrX-14843976-T-C. GRCh37 (hg19) VCF-style: chrX-14862098-T-C.
Other names: c.2171A>G, p.Gln724Arg (NM_001324162.2, NM_001410764.1, NM_152633.4); short protein forms Q724R.
Identifiers: ClinVar variation 4745371 (VCV004745371.1).

ClinVar aggregate classification (germline): Uncertain significance (1 of 4 stars; one submission).

Conditions:
Fanconi anemia (FA). Also called: Fanconi's anemia. Identifiers: Orphanet 84, MedGen C0015625, MeSH D005199, MONDO:0019391.

Submission:

Labcorp Genetics (formerly Invitae), Labcorp
Classification: Uncertain significance for Fanconi anemia. Last evaluated: 2025-10-16. Review status: criteria provided, single submitter. Criteria: Invitae Variant Classification Sherloc (09022015). Collection method: clinical testing. Allele origin: germline.
Comment: This sequence change replaces glutamine, which is neutral and polar, with arginine, which is basic and polar, at codon 724 of the FANCB protein (p.Gln724Arg). This variant is present in population databases (rs371428199, gnomAD 0.008%). This variant has not been reported in the literature in individuals affected with FANCB-related conditions. Invitae Evidence Modeling of protein sequence and biophysical properties (such as structural, functional, and spatial information, amino acid conservation, physicochemical variation, residue mobility, and thermodynamic stability) has been performed for this missense variant. However, the output from this modeling did not meet the statistical confidence thresholds required to predict the impact of this variant on FANCB protein function. In summary, the available evidence is currently insufficient to determine the role of this variant in disease. Therefore, it has been classified as a Variant of Uncertain Significance.